The following is an entry in ClinVar:

ClinVar aggregate classification (germline): Uncertain significance (1 of 4 stars; one submission).

Conditions:
Inborn genetic diseases. Identifiers: MedGen C0950123, MeSH D030342.

Submission:

Ambry Genetics
Classification: Uncertain significance for Inborn genetic diseases. Last evaluated: 2025-04-07. Review status: criteria provided, single submitter. Criteria: Ambry Variant Classification Scheme 2023. Collection method: clinical testing. Allele origin: germline.
Comment: The p.Y1565C variant (also known as c.4694A>G), located in coding exon 19 of the FANCM gene, results from an A to G substitution at nucleotide position 4694. The tyrosine at codon 1565 is replaced by cysteine, an amino acid with highly dissimilar properties. This amino acid position is conserved. In addition, this alteration is predicted to be deleterious by in silico analysis. Based on the available evidence, the clinical significance of this variant remains unclear.

NM_020937.4(FANCM):c.4694A>G (p.Tyr1565Cys)

Gene: FANCM (FA complementation group M; plus strand). Cytogenetic location: 14q21.2.
Variant type: single nucleotide variant.
Coding change: c.4694A>G on transcript NM_020937.4 (MANE Select); coding-DNA position 4694, A replaced by G.
Protein change: p.Tyr1565Cys; replaces tyrosine 1565 with cysteine.
Molecular consequence: missense variant.
Genome position (GRCh38, 1-based): chr14:45,187,802, A>G. VCF-style: chr14-45187802-A-G. GRCh37 (hg19) VCF-style: chr14-45657005-A-G.
Other names: c.4616A>G, p.Tyr1539Cys (NM_001308133.2); short protein forms Y1539C, Y1565C.
Identifiers: ClinVar variation 4022665 (VCV004022665.1).